The following is an entry in ClinVar:

ClinVar aggregate classification (germline): Likely benign. Review status: criteria provided, multiple submitters, no conflicts (2 of 4 stars). 3 submissions from 3 submitters: Likely benign (3). Last evaluated 2025-02-06.

Conditions:
Hereditary spastic paraplegia 39 (SPG39). Also called: SPASTIC PARAPLEGIA 39, AUTOSOMAL RECESSIVE; Spastic Paraplegia Type 39 (SPG39). Identifiers: Orphanet 139480, MedGen C2677586, MONDO:0012787, OMIM 612020.

Allele frequency attached by ClinVar (database versions not stated): gnomAD exomes 0.00005 and 0.00006; ESP Exome Variant Server 0.00015; gnomAD 0.00002 and 0.00003; TOPMed 0.00002; ExAC 0.00005.
gnomAD v4.1: 97 of 1,614,104 alleles (0.006%); highest among the groups gnomAD compares: Non-Finnish European, 0.0071%; no homozygotes.

Submissions (3):

Labcorp Genetics (formerly Invitae), Labcorp
Classification: Likely benign for Hereditary spastic paraplegia 39. Last evaluated: 2025-02-06. Review status: criteria provided, single submitter. Criteria: Invitae Variant Classification Sherloc (09022015). Collection method: clinical testing. Allele origin: germline.

CeGaT Center for Human Genetics Tuebingen
Classification: Likely benign. Last evaluated: 2023-08-01. Review status: criteria provided, single submitter. Criteria: CeGaT Center For Human Genetics Tuebingen Variant Classification Criteria Version 2. Collection method: clinical testing. Allele origin: germline. Affected: yes. Observed: 1 variant allele.
Comment: PNPLA6: BP4, BP7

Blueprint Genetics
Classification: Likely benign. Last evaluated: 2022-08-15. Review status: criteria provided, single submitter. Criteria: ACMG Guidelines, 2015. Collection method: clinical testing. Allele origin: germline.

NM_001166114.2(PNPLA6):c.3654C>T (p.Ile1218=)

Gene: PNPLA6 (patatin like domain 6, lysophospholipase; plus strand). Cytogenetic location: 19p13.2.
Variant type: single nucleotide variant.
Coding change: c.3654C>T on transcript NM_001166114.2 (MANE Select); coding-DNA position 3654, C replaced by T.
Protein change: p.Ile1218=; no amino-acid change (isoleucine 1218 retained).
Molecular consequence: synonymous variant.
Genome position (GRCh38, 1-based): chr19:7,559,106, C>T. VCF-style: chr19-7559106-C-T. GRCh37 (hg19) VCF-style: chr19-7623992-C-T.
Other names: c.3684C>T, p.Ile1228= (NM_001166111.2); c.3459C>T, p.Ile1153= (NM_001166112.2); c.3540C>T, p.Ile1180= (NM_001166113.1, NM_006702.5).
Identifiers: ClinVar variation 1134345 (VCV001134345.33), dbSNP rs377515453, ClinGen allele CA9140529.